The following is an entry in ClinVar:

NM_004006.3(DMD):c.5520T>A (p.Asp1840Glu)

Gene: DMD (dystrophin; minus strand). Cytogenetic location: Xp21.1.
Variant type: single nucleotide variant.
Coding change: c.5520T>A on transcript NM_004006.3 (MANE Select); coding-DNA position 5520, T replaced by A.
Protein change: p.Asp1840Glu; replaces aspartic acid 1840 with glutamic acid.
Molecular consequence: missense variant.
Genome position (GRCh38, 1-based): chrX:32,346,009, A>T on the plus strand (T>A on the coding strand, the complement: DMD is on the minus strand). VCF-style: chrX-32346009-A-T. GRCh37 (hg19) VCF-style: chrX-32364126-A-T.
Other names: c.5496T>A, p.Asp1832Glu (NM_000109.4); c.5508T>A, p.Asp1836Glu (NM_004009.3); c.5151T>A, p.Asp1717Glu (NM_004010.3); c.1497T>A, p.Asp499Glu (NM_004011.4); c.1488T>A, p.Asp496Glu (NM_004012.4); short protein forms D1832E, D1840E, D1717E, D1836E, D496E, D499E.
Identifiers: ClinVar variation 2125340 (VCV002125340.4), dbSNP rs2521963561, ClinGen allele CA412667356.
Genomic context (GRCh38, chrX:32,346,009, plus strand): 5'-AGCATTATGTTTTGTCTGTAACAGCTGCTGTTTTATCTTTATTTCCTCTCGCTTTCTCTC[A>T]TCTGTGATTCTTTGTTGTAAGTTGTCTCCTCTTTGCAACAATTCTTTTACAGTACCCTCA-3'
Protein context (NP_003997.2, residues 1830-1850): RGDNLQQRIT[Asp1840Glu]ERKREEIKIK

ClinVar aggregate classification (germline): Uncertain significance (1 of 4 stars; one submission).

Conditions:
Duchenne muscular dystrophy (DMD). Also called: MUSCULAR DYSTROPHY, PSEUDOHYPERTROPHIC PROGRESSIVE, DUCHENNE TYPE; Duchenne Muscular Dystrophy (DMD). Identifiers: Orphanet 98896, MedGen C0013264, MONDO:0010679, OMIM 310200.

Submission:

Labcorp Genetics (formerly Invitae), Labcorp
Classification: Uncertain significance for Duchenne muscular dystrophy. Last evaluated: 2022-04-12. Review status: criteria provided, single submitter. Criteria: Invitae Variant Classification Sherloc (09022015). Collection method: clinical testing. Allele origin: germline.
Comment: In summary, the available evidence is currently insufficient to determine the role of this variant in disease. Therefore, it has been classified as a Variant of Uncertain Significance. Algorithms developed to predict the effect of missense changes on protein structure and function (SIFT, PolyPhen-2, Align-GVGD) all suggest that this variant is likely to be disruptive. This variant has not been reported in the literature in individuals affected with DMD-related conditions. This variant is not present in population databases (gnomAD no frequency). This sequence change replaces aspartic acid, which is acidic and polar, with glutamic acid, which is acidic and polar, at codon 1840 of the DMD protein (p.Asp1840Glu).